The following is an entry in ClinVar:

NM_016247.4(IMPG2):c.1879C>T (p.Pro627Ser)

Gene: IMPG2 (interphotoreceptor matrix proteoglycan 2; minus strand). Cytogenetic location: 3q12.3.
Variant type: single nucleotide variant.
Coding change: c.1879C>T on transcript NM_016247.4 (MANE Select); coding-DNA position 1879, C replaced by T.
Protein change: p.Pro627Ser; replaces proline 627 with serine.
Molecular consequence: missense variant.
Genome position (GRCh38, 1-based): chr3:101,244,452, G>A on the plus strand (C>T on the coding strand, the complement: IMPG2 is on the minus strand). VCF-style: chr3-101244452-G-A. GRCh37 (hg19) VCF-style: chr3-100963296-G-A.
Other names: short protein forms P627S.
Identifiers: ClinVar variation 1011941 (VCV001011941.8), dbSNP rs1706451084, ClinGen allele CA353859802.

ClinVar aggregate classification (germline): Uncertain significance (1 of 4 stars; one submission).

Submission:

Labcorp Genetics (formerly Invitae), Labcorp
Classification: Uncertain significance. Last evaluated: 2022-07-05. Review status: criteria provided, single submitter. Criteria: Invitae Variant Classification Sherloc (09022015). Collection method: clinical testing. Allele origin: germline.
Comment: Algorithms developed to predict the effect of missense changes on protein structure and function output the following: SIFT: "Tolerated"; PolyPhen-2: "Benign"; Align-GVGD: "Class C0". The serine amino acid residue is found in multiple mammalian species, which suggests that this missense change does not adversely affect protein function. In summary, the available evidence is currently insufficient to determine the role of this variant in disease. Therefore, it has been classified as a Variant of Uncertain Significance. ClinVar contains an entry for this variant (Variation ID: 1011941). This variant has not been reported in the literature in individuals affected with IMPG2-related conditions. This variant is not present in population databases (gnomAD no frequency). This sequence change replaces proline, which is neutral and non-polar, with serine, which is neutral and polar, at codon 627 of the IMPG2 protein (p.Pro627Ser).